The following is an entry in ClinVar:

ClinVar aggregate classification (germline): Uncertain significance (1 of 4 stars; one submission).

Conditions:
RASopathy. Also called: rasopathies; Noonan spectrum disorder. Identifiers: Orphanet 536391, MedGen C5555857, MONDO:0021060.

Submission:

Labcorp Genetics (formerly Invitae), Labcorp
Classification: Uncertain significance for RASopathy. Last evaluated: 2025-08-11. Review status: criteria provided, single submitter. Criteria: Invitae Variant Classification Sherloc (09022015). Collection method: clinical testing. Allele origin: germline.
Comment: This sequence change falls in intron 1 of the SOS1 gene. It does not directly change the encoded amino acid sequence of the SOS1 protein. This variant is not present in population databases (gnomAD no frequency). This variant has not been reported in the literature in individuals affected with SOS1-related conditions. Experimental studies and prediction algorithms are not available or were not evaluated, and the effect of this variant on mRNA splicing is currently unknown. In summary, the available evidence is currently insufficient to determine the role of this variant in disease. Therefore, it has been classified as a Variant of Uncertain Significance.

NM_005633.4(SOS1):c.87+9_87+59delinsAAAAGGTG

Genes: SOS1 (SOS Ras/Rac guanine nucleotide exchange factor 1; minus strand), LOC129933535 (ATAC-STARR-seq lymphoblastoid silent region 11384; plus strand). Cytogenetic location: 2p22.1.
Variant type: Indel.
Coding change: c.87+9_87+59delinsAAAAGGTG on transcript NM_005633.4 (MANE Select); bases 9 to 59 of the intron after coding-DNA position 87, the reference bases replaced by AAAAGGTG.
Molecular consequence: intron variant.
Genome position (GRCh38, 1-based): chr2:39,120,277-39,120,327, 51 bases replaced. GRCh37 (hg19): chr2:39,347,418-39,347,468.
Other names: c.66+4337_66+4387delinsAAAAGGTG (NM_001382394.1); c.87+9_87+59delinsAAAAGGTG (NM_001382395.1).
Identifiers: ClinVar variation 4725298 (VCV004725298.1).